The following is an entry in ClinVar:

ClinVar aggregate classification (germline): Uncertain significance. Review status: criteria provided, multiple submitters, no conflicts (2 of 4 stars). 3 submissions from 3 submitters: Uncertain significance (3). Last evaluated 2025-10-22.

Conditions:
Inborn genetic diseases. Identifiers: MedGen C0950123, MeSH D030342.

Allele frequency attached by ClinVar (database versions not stated): TOPMed below 0.00001; ExAC 0.00001.
gnomAD v4.1: 8 of 1,614,182 alleles (0.0005%); highest among the groups gnomAD compares: Non-Finnish European, 0.000085%; no homozygotes.

Submissions (3):

Ambry Genetics
Classification: Uncertain significance for Inborn genetic diseases. Last evaluated: 2025-10-22. Review status: criteria provided, single submitter. Criteria: Ambry Variant Classification Scheme 2023. Collection method: clinical testing. Allele origin: germline.

Labcorp Genetics (formerly Invitae), Labcorp
Classification: Uncertain significance. Last evaluated: 2024-12-12. Review status: criteria provided, single submitter. Criteria: Invitae Variant Classification Sherloc (09022015). Collection method: clinical testing. Allele origin: germline.
Comment: This sequence change replaces valine, which is neutral and non-polar, with methionine, which is neutral and non-polar, at codon 787 of the FLNB protein (p.Val787Met). This variant is present in population databases (rs771607824, gnomAD 0.006%). This variant has not been reported in the literature in individuals affected with FLNB-related conditions. ClinVar contains an entry for this variant (Variation ID: 1903515). Invitae Evidence Modeling of protein sequence and biophysical properties (such as structural, functional, and spatial information, amino acid conservation, physicochemical variation, residue mobility, and thermodynamic stability) indicates that this missense variant is not expected to disrupt FLNB protein function with a negative predictive value of 95%. In summary, the available evidence is currently insufficient to determine the role of this variant in disease. Therefore, it has been classified as a Variant of Uncertain Significance.

GeneDx
Classification: Uncertain significance. Last evaluated: 2024-10-16. Review status: criteria provided, single submitter. Criteria: GeneDx Variant Classification Process June 2021. Collection method: clinical testing. Allele origin: germline. Affected: yes.
Comment: Not observed at significant frequency in large population cohorts (gnomAD); In silico analysis indicates that this missense variant does not alter protein structure/function; Has not been previously published as pathogenic or benign to our knowledge

NM_001457.4(FLNB):c.2359G>A (p.Val787Met)

Gene: FLNB (filamin B; plus strand). Cytogenetic location: 3p14.3.
Variant type: single nucleotide variant.
Coding change: c.2359G>A on transcript NM_001457.4 (MANE Select); coding-DNA position 2359, G replaced by A.
Protein change: p.Val787Met; replaces valine 787 with methionine.
Molecular consequence: missense variant.
Genome position (GRCh38, 1-based): chr3:58,110,045, G>A. VCF-style: chr3-58110045-G-A. GRCh37 (hg19) VCF-style: chr3-58095772-G-A.
Other names: c.2359G>A, p.Val787Met (NM_001164317.2, NM_001164318.2, NM_001164319.2); c.2359G>A (NM_001457.3); short protein forms V787M.
Identifiers: ClinVar variation 1903515 (VCV001903515.7), dbSNP rs771607824, ClinGen allele CA2468104.
Genomic context (GRCh38, chr3:58,110,045, plus strand): 5'-GTGCTAATAAGCTGGTCTGTTCCAGGTGATGTCAGTGTTGGCATTAAGTGTGATGCCCGG[G>A]TGTTAAGTGAAGATGAGGAAGACGTGGATTTTGACATTATTCACAATGCCAATGATACGT-3'
Protein context (NP_001448.2, residues 777-797): VSVGIKCDAR[Val787Met]LSEDEEDVDF